The following is an entry in ClinVar:

NM_005045.4(RELN):c.1063C>T (p.His355Tyr)

Gene: RELN (reelin; minus strand). Cytogenetic location: 7q22.1.
Variant type: single nucleotide variant.
Coding change: c.1063C>T on transcript NM_005045.4 (MANE Select); coding-DNA position 1063, C replaced by T.
Protein change: p.His355Tyr; replaces histidine 355 with tyrosine.
Molecular consequence: missense variant.
Genome position (GRCh38, 1-based): chr7:103,697,933, G>A on the plus strand (C>T on the coding strand, the complement: RELN is on the minus strand). VCF-style: chr7-103697933-G-A. GRCh37 (hg19) VCF-style: chr7-103338380-G-A.
Other names: c.1063C>T, p.His355Tyr (NM_173054.3); short protein forms H355Y.
Identifiers: ClinVar variation 2931388 (VCV002931388.3), dbSNP rs2484931647, ClinGen allele CA368927566.

ClinVar aggregate classification (germline): Uncertain significance (1 of 4 stars; one submission).

Conditions:
Norman-Roberts syndrome (LIS2). Also called: Lissencephaly 2 (Norman-Roberts type). Identifiers: Orphanet 89844, MedGen C0796089, MONDO:0009760, OMIM 257320.
Familial temporal lobe epilepsy 7. Identifiers: Orphanet 101046, MedGen C4225327, MONDO:0014639, OMIM 616436.

Submission:

Labcorp Genetics (formerly Invitae), Labcorp
Classification: Uncertain significance for Familial temporal lobe epilepsy 7; Norman-Roberts syndrome. Last evaluated: 2023-06-14. Review status: criteria provided, single submitter. Criteria: Invitae Variant Classification Sherloc (09022015). Collection method: clinical testing. Allele origin: germline.
Comment: This variant has not been reported in the literature in individuals affected with RELN-related conditions. This variant is not present in population databases (gnomAD no frequency). Advanced modeling of protein sequence and biophysical properties (such as structural, functional, and spatial information, amino acid conservation, physicochemical variation, residue mobility, and thermodynamic stability) performed at Invitae indicates that this missense variant is not expected to disrupt RELN protein function. In summary, the available evidence is currently insufficient to determine the role of this variant in disease. Therefore, it has been classified as a Variant of Uncertain Significance. This sequence change replaces histidine, which is basic and polar, with tyrosine, which is neutral and polar, at codon 355 of the RELN protein (p.His355Tyr).